The following is an entry in ClinVar:

ClinVar aggregate classification (germline): Likely benign. Review status: reviewed by expert panel (3 of 4 stars). 2 submissions from 2 submitters: Likely benign (1). 1 of the submissions does not count toward it. Last evaluated 2017-06-29.

Conditions:
Hereditary cancer-predisposing syndrome. Also called: Tumor predisposition; Hereditary Cancer Syndrome; Neoplastic Syndromes, Hereditary; Hereditary neoplastic syndrome. Identifiers: Orphanet 140162, MedGen C0027672, MeSH D009386, MONDO:0015356.
Breast-ovarian cancer, familial, susceptibility to, 1 (BROVCA1). Also called: BRCA1 Hereditary Breast and Ovarian Cancer; OVARIAN CANCER, SUSCEPTIBILITY TO. Identifiers: Orphanet 145, MedGen C2676676, MONDO:0011450, OMIM 604370. Disease mechanism: loss of function.

Submissions (2):

Evidence-based Network for the Interpretation of Germline Mutant Alleles (ENIGMA)
Classification: Likely benign for Breast-ovarian cancer, familial, susceptibility to, 1. Last evaluated: 2017-06-29. Review status: reviewed by expert panel. Criteria: ENIGMA BRCA1/2 Classification Criteria (2017-06-29). Collection method: curation. Allele origin: germline.
Comment: Synonymous substitution variant, with low bioinformatic likelihood to result in a splicing aberration (Splicing prior probability 0.02).

Ambry Genetics
Classification: Likely benign for Hereditary cancer-predisposing syndrome. Last evaluated: 2015-01-07. Review status: criteria provided, single submitter. Criteria: Ambry Variant Classification Scheme 2023. Collection method: clinical testing. Allele origin: germline. Not counted in ClinVar's aggregate classification.

NM_007294.4(BRCA1):c.3720G>A (p.Gln1240=)

Genes: BRCA1 (BRCA1 DNA repair associated; minus strand), LOC126862571 (BRD4-independent group 4 enhancer GRCh37_chr17:41243136-41244335; plus strand). Cytogenetic location: 17q21.31.
Variant type: single nucleotide variant.
Coding change: c.3720G>A on transcript NM_007294.4 (MANE Select); coding-DNA position 3720, G replaced by A.
Protein change: p.Gln1240=; no amino-acid change (glutamine 1240 retained).
Molecular consequence: synonymous variant. On other transcripts: intron variant (135).
Genome position (GRCh38, 1-based): chr17:43,091,811, C>T on the plus strand (G>A on the coding strand, the complement: BRCA1 is on the minus strand). VCF-style: chr17-43091811-C-T. GRCh37 (hg19) VCF-style: chr17-41243828-C-T.
Other names: c.3717G>A, p.Gln1239= (NM_001407644.1, NM_001407645.1, NM_001407587.1 and 22 more transcripts); c.3507G>A, p.Gln1169= (NM_001407571.1, NM_001407853.1, NM_001407894.1 and 9 more transcripts); c.3711G>A, p.Gln1237= (NM_001407646.1, NM_001407647.1); c.3720G>A, p.Gln1240= (NM_001407581.1, NM_001407582.1, NM_001407583.1 and 30 more transcripts); c.3597G>A, p.Gln1199= (NM_001407648.1, NM_001407664.1, NM_001407665.1 and 19 more transcripts); c.3594G>A, p.Gln1198= (NM_001407649.1, NM_001407670.1, NM_001407671.1 and 11 more transcripts); c.3642G>A, p.Gln1214= (NM_001407653.1, NM_001407654.1, NM_001407655.1 and 4 more transcripts); c.3639G>A, p.Gln1213= (NM_001407659.1, NM_001407660.1, NM_001407661.1 and 1 more transcripts); and 41 more.
Identifiers: ClinVar variation 230032 (VCV000230032.8), dbSNP rs876658341, ClinGen allele CA10580552.
Genomic context (GRCh38, chr17:43,091,811, plus strand): 5'-TAAATTCTCCTCTGTGTTCTTAGACAGACACTCGGTAGCAACGGTGCTATGCCTAGTAGA[C>T]TGAGAAGGTATATTGTTTACTTTACCAAATAACAAGTGTTGGAAGCAGGGAAGCTCTTCA-3'
Protein context (NP_009225.1, residues 1230-1250): LFGKVNNIPS[Gln1240=]STRHSTVATE